The following is an entry in ClinVar:

ClinVar aggregate classification (germline): Uncertain significance. Review status: criteria provided, multiple submitters, no conflicts (2 of 4 stars). 2 submissions from 2 submitters: Uncertain significance (2). Last evaluated 2025-10-07.

Allele frequency attached by ClinVar (database versions not stated): gnomAD exomes 0.00001.

Submissions (2):

Ambry Genetics
Classification: Uncertain significance. Last evaluated: 2025-10-07. Review status: criteria provided, single submitter. Criteria: Ambry Variant Classification Scheme 2023. Collection method: clinical testing. Allele origin: germline.

Labcorp Genetics (formerly Invitae), Labcorp
Classification: Uncertain significance. Last evaluated: 2022-09-26. Review status: criteria provided, single submitter. Criteria: Invitae Variant Classification Sherloc (09022015). Collection method: clinical testing. Allele origin: germline.
Comment: This sequence change replaces valine, which is neutral and non-polar, with methionine, which is neutral and non-polar, at codon 118 of the SRP72 protein (p.Val118Met). This variant is not present in population databases (gnomAD no frequency). This variant has not been reported in the literature in individuals affected with SRP72-related conditions. Algorithms developed to predict the effect of missense changes on protein structure and function are either unavailable or do not agree on the potential impact of this missense change (SIFT: "Deleterious"; PolyPhen-2: "Probably Damaging"; Align-GVGD: "Class C0"). In summary, the available evidence is currently insufficient to determine the role of this variant in disease. Therefore, it has been classified as a Variant of Uncertain Significance.

NM_006947.4(SRP72):c.352G>A (p.Val118Met)

Gene: SRP72 (signal recognition particle 72; plus strand). Cytogenetic location: 4q12.
Variant type: single nucleotide variant.
Coding change: c.352G>A on transcript NM_006947.4 (MANE Select); coding-DNA position 352, G replaced by A.
Protein change: p.Val118Met; replaces valine 118 with methionine.
Molecular consequence: missense variant. On other transcripts: non-coding transcript variant (1).
Genome position (GRCh38, 1-based): chr4:56,471,841, G>A. VCF-style: chr4-56471841-G-A. GRCh37 (hg19) VCF-style: chr4-57338007-G-A.
Other names: c.352G>A, p.Val118Met (NM_001267722.2); c.352G>A (NM_006947.3); short protein forms V118M.
Identifiers: ClinVar variation 1720378 (VCV001720378.7), dbSNP rs890107656, ClinGen allele CA97585828.
Genomic context (GRCh38, chr4:56,471,841, plus strand): 5'-TTGAAGACAATAGAAAGTGCCAACCAGCAGACAGACAAACTGAAGGAGCTTTATGGACAA[G>A]TGGTAATTACTGCTTTTAAATACATGTTGACAGTGATACTGAGTGAGCATGACTACCTCT-3'
Protein context (NP_008878.3, residues 108-128): TDKLKELYGQ[Val118Met]LYRLERYDEC